The following is an entry in ClinVar:

ClinVar aggregate classification (germline): Uncertain significance (1 of 4 stars; one submission).

gnomAD v4.1: 13 of 1,614,090 alleles (0.00081%); highest among the groups gnomAD compares: African/African-American, 0.0053%; no homozygotes.

Submission:

Dasa
Classification: Uncertain significance. Last evaluated: 2025-10-13. Review status: criteria provided, single submitter. Criteria: DASA Assertion Criteria. Collection method: clinical testing. Allele origin: germline.
Comment: NM_005559.4(LAMA1):c.5369G>A (p.Arg1790Lys) is a missense variant that results in the substitution of arginine with lysine. This variant is rare in population databases. Computational prediction algorithms are consistent with a benign effect. The currently available literature and clinical evidence are not sufficient to establish a definitive association between this variant and the reported condition. Therefore, this variant is classified as a variant of uncertain significance.

NM_005559.4(LAMA1):c.5369G>A (p.Arg1790Lys)

Gene: LAMA1 (laminin subunit alpha 1; minus strand). Cytogenetic location: 18p11.31.
Variant type: single nucleotide variant.
Coding change: c.5369G>A on transcript NM_005559.4 (MANE Select); coding-DNA position 5369, G replaced by A.
Protein change: p.Arg1790Lys; replaces arginine 1790 with lysine.
Molecular consequence: missense variant.
Genome position (GRCh38, 1-based): chr18:6,986,147, C>T on the plus strand (G>A on the coding strand, the complement: LAMA1 is on the minus strand). VCF-style: chr18-6986147-C-T. GRCh37 (hg19) VCF-style: chr18-6986146-C-T.
Other names: short protein forms R1790K.
Identifiers: ClinVar variation 4883513 (VCV004883513.2).
Genomic context (GRCh38, chr18:6,986,147, plus strand): 5'-GTATTTTGTTACCTGTTCTAATTGAGAAGGAGAGAGCAAGTGAGACTCACACTGAATTCT[C>T]TCAGATTAGCATTGACCATGAGCAGCAGGTGGTTGCTTTCCTGCATCTTTGCCTCAGCTT-3'
Protein context (NP_005550.2, residues 1780-1800): HLLLMVNANL[Arg1790Lys]EFSDKKLHVQ